The following is an entry in ClinVar:

ClinVar aggregate classification (germline): Uncertain significance (1 of 4 stars; one submission).

Conditions:
Hereditary cancer-predisposing syndrome. Also called: Neoplastic Syndromes, Hereditary; Tumor predisposition; Hereditary neoplastic syndrome; Hereditary Cancer Syndrome. Identifiers: Orphanet 140162, MedGen C0027672, MeSH D009386, MONDO:0015356.

Submission:

Ambry Genetics
Classification: Uncertain significance for Hereditary cancer-predisposing syndrome. Last evaluated: 2024-04-15. Review status: criteria provided, single submitter. Criteria: Ambry Variant Classification Scheme 2023. Collection method: clinical testing. Allele origin: germline.
Comment: The p.G883R variant (also known as c.2647G>C), located in coding exon 18 of the SMARCA4 gene, results from a G to C substitution at nucleotide position 2647. The glycine at codon 883 is replaced by arginine, an amino acid with dissimilar properties. This amino acid position is conserved. In addition, this alteration is predicted to be deleterious by in silico analysis. Based on the available evidence, the clinical significance of this variant remains unclear.

NM_003072.5(SMARCA4):c.2647G>C (p.Gly883Arg)

Gene: SMARCA4 (SWI/SNF related BAF chromatin remodeling complex subunit ATPase 4; plus strand). Cytogenetic location: 19p13.2.
Variant type: single nucleotide variant.
Coding change: c.2647G>C on transcript NM_003072.5 (MANE Select); coding-DNA position 2647, G replaced by C.
Protein change: p.Gly883Arg; replaces glycine 883 with arginine.
Molecular consequence: missense variant. On other transcripts: non-coding transcript variant (1).
Genome position (GRCh38, 1-based): chr19:11,021,755, G>C. VCF-style: chr19-11021755-G-C. GRCh37 (hg19) VCF-style: chr19-11132431-G-C.
Other names: c.2647G>C, p.Gly883Arg (NM_001128844.3, NM_001128845.2, NM_001128846.2 and 6 more transcripts); short protein forms G883R.
Identifiers: ClinVar variation 3320722 (VCV003320722.1).